The following is an entry in ClinVar:

ClinVar aggregate classification (germline): Pathogenic (1 of 4 stars; one submission).

Conditions:
Developmental and epileptic encephalopathy. Identifiers: MedGen C5779964, MONDO:0100620.

Submission:

Labcorp Genetics (formerly Invitae), Labcorp
Classification: Pathogenic for Early infantile epileptic encephalopathy with suppression bursts. Last evaluated: 2018-08-23. Review status: criteria provided, single submitter. Criteria: Invitae Variant Classification Sherloc (09022015). Collection method: clinical testing. Allele origin: germline.
Comment: This variant is a deletion of the genomic region encompassing exons 7-10 and part of exon 11 (c.964+424_2022del) of the SCN1A gene. It is expected to disrupt RNA splicing and likely results in an absent or disrupted protein product. This variant has not been reported in the literature in individuals with SCN1A-related disease. This variant disrupts the p.Arg393 amino acid residue in SCN1A. Other variant(s) that disrupt this residue have been observed in affected individuals (PMID:Â¬â€ 17054684, 22848613, 18930999, 21868258), suggesting that it is a clinically significant residue. As a result, variants that disrupt this residue are likely to be causative of disease. For these reasons, this variant has been classified as Pathogenic.

NM_001165963.4(SCN1A):c.964+424_2022del

Gene: SCN1A (sodium voltage-gated channel alpha subunit 1; minus strand). Cytogenetic location: 2q24.3.
Variant type: Deletion.
Coding change: c.964+424_2022del on transcript NM_001165963.4 (MANE Select); 424 bases into the intron after coding-DNA position 964 through coding-DNA position 2022, 7,606 bases deleted.
Molecular consequence: splice acceptor variant, splice donor variant.
Genome position (GRCh38, 1-based): chr2:166,043,690-166,051,295, 7,606 bases deleted. GRCh37 (hg19): chr2:166,900,209-166,907,814.
Other names: c.964+424_2010+12del (NM_001353949.2, NM_001353950.2, NM_001353951.2 and 2 more transcripts); c.964+424_1959+63del (NM_001353958.2, NM_001353957.2, NM_001165964.3); c.964+424_2022del (NM_001202435.3, NM_001353948.2); c.964+424_2007+12del (NM_001353955.2, NM_001353954.2); c.964+424_1956+63del (NM_001353960.2); c.-1462+424_-416+12del (NM_001353961.2).
Identifiers: ClinVar variation 645614 (VCV000645614.2), ClinGen allele CA915942896.